The following is an entry in ClinVar:

ClinVar aggregate classification (germline): Conflicting classifications of pathogenicity. Review status: criteria provided, conflicting classifications (1 of 4 stars). 7 submissions from 7 submitters: Uncertain significance (5); Benign (1); Likely benign (1). Last evaluated 2024-11-18.

Conditions:
Hereditary breast ovarian cancer syndrome. Also called: Hereditary breast and ovarian cancer syndrome (HBOC); Hereditary breast and ovarian cancer; BRCA1- and BRCA2-Associated Hereditary Breast and Ovarian Cancer; Breast and ovarian cancer; Hereditary breast and ovarian cancer syndrome; Hereditary breast and/or ovarian cancer syndrome. Identifiers: Orphanet 145, MedGen C0677776, MeSH D061325, MONDO:0003582. Disease mechanism: loss of function.
Breast-ovarian cancer, familial, susceptibility to, 1 (BROVCA1). Also called: OVARIAN CANCER, SUSCEPTIBILITY TO; BRCA1 Hereditary Breast and Ovarian Cancer. Identifiers: Orphanet 145, MedGen C2676676, MONDO:0011450, OMIM 604370. Disease mechanism: loss of function.
Hereditary cancer-predisposing syndrome. Also called: Hereditary neoplastic syndrome; Tumor predisposition; Hereditary Cancer Syndrome; Neoplastic Syndromes, Hereditary. Identifiers: Orphanet 140162, MedGen C0027672, MeSH D009386, MONDO:0015356.

Allele frequency attached by ClinVar (database versions not stated): gnomAD exomes below 0.00001; TOPMed below 0.00001.
gnomAD v4.1: 4 of 1,614,140 alleles (0.00025%); highest among the groups gnomAD compares: East Asian, 0.0022%; no homozygotes.

Submissions (7):

Labcorp Genetics (formerly Invitae), Labcorp
Classification: Uncertain significance for Hereditary breast ovarian cancer syndrome. Last evaluated: 2024-11-18. Review status: criteria provided, single submitter. Criteria: Invitae Variant Classification Sherloc (09022015). Collection method: clinical testing. Allele origin: germline.
Comment: This sequence change replaces histidine, which is basic and polar, with arginine, which is basic and polar, at codon 437 of the BRCA1 protein (p.His437Arg). This variant is present in population databases (no rsID available, gnomAD 0.003%). This missense change has been observed in individual(s) with pancreatic cancer (PMID: 32980694). ClinVar contains an entry for this variant (Variation ID: 633088). Invitae Evidence Modeling of protein sequence and biophysical properties (such as structural, functional, and spatial information, amino acid conservation, physicochemical variation, residue mobility, and thermodynamic stability) indicates that this missense variant is not expected to disrupt BRCA1 protein function with a negative predictive value of 80%. In summary, the available evidence is currently insufficient to determine the role of this variant in disease. Therefore, it has been classified as a Variant of Uncertain Significance.

Myriad Genetics, Inc.
Classification: Benign for Breast-ovarian cancer, familial, susceptibility to, 1. Last evaluated: 2024-03-25. Review status: criteria provided, single submitter. Criteria: Myriad Autosomal Dominant, Autosomal Recessive and X-Linked Classification Criteria (2023). Collection method: clinical testing. Allele origin: unknown.
Comment: This variant is considered benign. This variant is strongly associated with less severe personal and family histories of cancer, typical for individuals without pathogenic variants in this gene [PMID: 25085752]. Homozygosity has been confirmed in one or more individuals. As homozygosity for pathogenic variants in this gene is generally assumed to result in embryonic lethality, this variant is unlikely to be pathogenic.

All of Us Research Program, National Institutes of Health
Classification: Uncertain significance for Breast-ovarian cancer, familial, susceptibility to, 1. Last evaluated: 2023-10-02. Review status: criteria provided, single submitter. Criteria: ACMG Guidelines, 2015. Collection method: clinical testing. Allele origin: germline. Inheritance: Autosomal dominant inheritance. Observed: 1 variant allele, 1 heterozygote.
Comment: This missense variant replaces histidine with arginine at codon 437 of the BRCA1 protein. Computational prediction is inconclusive regarding the impact of this variant on protein structure and function (internally defined REVEL score threshold 0.5 < inconclusive < 0.7, PMID: 27666373). To our knowledge, functional studies have not been reported for this variant. This variant has been reported in a breast cancer and a pancreatic case-control study in six unaffected individuals and absent in cancer cases (PMID: 30287823, 32980694), and it was also reported in a prostate cancer case-control study in 1/7636 prostate cancer cases and 2/12366 unaffected individuals (PMID: 31214711). This variant has been identified in 1/250916 chromosomes in the general population by the Genome Aggregation Database (gnomAD). The available evidence is insufficient to determine the role of this variant in disease conclusively. Therefore, this variant is classified as a Variant of Uncertain Significance.

This study involves interpretation of variants in research participants for the purpose of population health screening. Participant phenotype was not available at the time of variant classification. Additional details can be found in publication PMID: 35346344, PMCID: PMC8962531

Color Diagnostics, LLC DBA Color Health
Classification: Uncertain significance for Hereditary cancer-predisposing syndrome. Last evaluated: 2023-09-13. Review status: criteria provided, single submitter. Criteria: ACMG Guidelines, 2015. Collection method: clinical testing. Allele origin: germline.
Comment: This missense variant replaces histidine with arginine at codon 437 of the BRCA1 protein. Computational prediction is inconclusive regarding the impact of this variant on protein structure and function (internally defined REVEL score threshold 0.5 < inconclusive < 0.7, PMID: 27666373). To our knowledge, functional studies have not been reported for this variant. This variant has been reported in a breast cancer and a pancreatic case-control study in six unaffected individuals and absent in cancer cases (PMID: 30287823, 32980694), and it was also reported in a prostate cancer case-control study in 1/7636 prostate cancer cases and 2/12366 unaffected individuals (PMID: 31214711). This variant has been identified in 1/250916 chromosomes in the general population by the Genome Aggregation Database (gnomAD). The available evidence is insufficient to determine the role of this variant in disease conclusively. Therefore, this variant is classified as a Variant of Uncertain Significance.

University of Washington Department of Laboratory Medicine, University of Washington
Classification: Likely benign for Hereditary cancer-predisposing syndrome. Last evaluated: 2023-03-23. Review status: criteria provided, single submitter. Criteria: Dines et al. (Genet Med. 2020). Collection method: curation. Allele origin: germline.
Comment: Missense variant in a coldspot region where missense variants are very unlikely to be pathogenic (PMID:31911673).

BRCA1 coldspot (exon 11 using historical exon numbering). Reclassification based on statistical prior probability

Ambry Genetics
Classification: Uncertain significance for Hereditary cancer-predisposing syndrome. Last evaluated: 2022-12-06. Review status: criteria provided, single submitter. Criteria: Ambry Variant Classification Scheme 2023. Collection method: clinical testing. Allele origin: germline.
Comment: The p.H437R variant (also known as c.1310A>G), located in coding exon 9 of the BRCA1 gene, results from an A to G substitution at nucleotide position 1310. The histidine at codon 437 is replaced by arginine, an amino acid with highly similar properties. This alteration was not observed in 7,051 unselected female breast cancer patients and was observed with an allele frequency of 0.00018 in 11,241 female controls of Japanese ancestry. In addition, it was not observed in unselected male breast cancer patients and was observed with an allele frequency of 0.0002 in 12,490 male controls of Japanese ancestry (Momozawa Y et al. Nat Commun, 2018 Oct;9:4083). This alteration has been reported with a carrier frequency of 0.00013 in 7636 unselected prostate cancer patients and 0.00016 in 12366 male controls of Japanese ancestry (Momozawa Y et al. J Natl Cancer Inst, 2020 Apr;112:369-376). This amino acid position is not well conserved in available vertebrate species. In addition, the in silico prediction for this alteration is inconclusive. Since supporting evidence is limited at this time, the clinical significance of this alteration remains unclear.

Women's Health and Genetics/Laboratory Corporation of America, LabCorp
Classification: Uncertain significance. Last evaluated: 2018-03-15. Review status: criteria provided, single submitter. Criteria: LabCorp Variant Classification Summary - May 2015. Collection method: clinical testing. Allele origin: germline.
Comment: Variant summary: BRCA1 c.1310A>G (p.His437Arg) results in a non-conservative amino acid change located in the BRCA1, serine-rich domain (IPR025994) of the encoded protein sequence. Four of five in-silico tools predict a benign effect of the variant on protein function. The variant allele was found at a frequency of 4.1e-06 in 245718 control chromosomes (gnomAD). The available data on variant occurrences in the general population are insufficient to allow any conclusion about variant significance. To our knowledge, no occurrence of c.1310A>G in individuals affected with Hereditary Breast and Ovarian Cancer and no experimental evidence demonstrating its impact on protein function have been reported. No clinical diagnostic laboratories have submitted clinical-significance assessments for this variant to ClinVar after 2014. Based on the evidence outlined above, the variant was classified as uncertain significance.

Literature cited by the submitters: PubMed 32980694 (cited by 3 submitters); PubMed 25085752 (cited by Myriad Genetics, Inc.); PubMed 30287823 (cited by 3 submitters); PubMed 31214711 (cited by 3 submitters).

NM_007294.4(BRCA1):c.1310A>G (p.His437Arg)

Gene: BRCA1 (BRCA1 DNA repair associated; minus strand). Cytogenetic location: 17q21.31.
Variant type: single nucleotide variant.
Coding change: c.1310A>G on transcript NM_007294.4 (MANE Select); coding-DNA position 1310, A replaced by G.
Protein change: p.His437Arg; replaces histidine 437 with arginine.
Molecular consequence: missense variant. On other transcripts: intron variant (137).
Genome position (GRCh38, 1-based): chr17:43,094,221, T>C on the plus strand (A>G on the coding strand, the complement: BRCA1 is on the minus strand). VCF-style: chr17-43094221-T-C. GRCh37 (hg19) VCF-style: chr17-41246238-T-C.
Other names: c.1166A>G, p.His389Arg (NM_001407841.1, NM_001407842.1, NM_001407843.1 and 20 more transcripts); c.1307A>G, p.His436Arg (NM_001407861.1, NM_001407587.1, NM_001407590.1 and 22 more transcripts); c.1109A>G, p.His370Arg (NM_001407862.1); c.1187A>G, p.His396Arg (NM_001407863.1, NM_001407674.1, NM_001407675.1 and 19 more transcripts); c.1106A>G, p.His369Arg (NM_001407874.1, NM_001407875.1); c.1100A>G, p.His367Arg (NM_001407879.1, NM_001407881.1, NM_001407882.1 and 13 more transcripts); c.1097A>G, p.His366Arg (NM_001407915.1, NM_001407571.1, NM_001407853.1 and 9 more transcripts); c.1046A>G, p.His349Arg (NM_001407926.1, NM_001407927.1, NM_001407928.1 and 9 more transcripts); and 40 more; short protein forms H437R, H390R, H325R, H326R, H370R, H389R, H395R, H396R.
Identifiers: ClinVar variation 633088 (VCV000633088.21), dbSNP rs80357255, ClinGen allele CA10599433.